The following is an entry in ClinVar:

ClinVar aggregate classification (germline): Uncertain significance. Review status: criteria provided, multiple submitters, no conflicts (2 of 4 stars). 2 submissions from 2 submitters: Uncertain significance (2). Last evaluated 2022-08-05.

Allele frequency attached by ClinVar (database versions not stated): gnomAD exomes 0.00001.
gnomAD v4.1: 10 of 1,613,188 alleles (0.00062%); highest among the groups gnomAD compares: Non-Finnish European, 0.00068%; no homozygotes.

Submissions (2):

Labcorp Genetics (formerly Invitae), Labcorp
Classification: Uncertain significance. Last evaluated: 2022-08-05. Review status: criteria provided, single submitter. Criteria: Invitae Variant Classification Sherloc (09022015). Collection method: clinical testing. Allele origin: germline.
Comment: In summary, the available evidence is currently insufficient to determine the role of this variant in disease. Therefore, it has been classified as a Variant of Uncertain Significance. Algorithms developed to predict the effect of missense changes on protein structure and function are either unavailable or do not agree on the potential impact of this missense change (SIFT: "Deleterious"; PolyPhen-2: "Probably Damaging"; Align-GVGD: "Class C0"). This variant has not been reported in the literature in individuals affected with PITPNM3-related conditions. This variant is not present in population databases (gnomAD no frequency). This sequence change replaces alanine, which is neutral and non-polar, with valine, which is neutral and non-polar, at codon 748 of the PITPNM3 protein (p.Ala748Val).

Blueprint Genetics
Classification: Uncertain significance. Last evaluated: 2018-11-02. Review status: criteria provided, single submitter. Criteria: ACMG Guidelines, 2015. Collection method: clinical testing. Allele origin: germline.

NM_031220.4(PITPNM3):c.2243C>T (p.Ala748Val)

Gene: PITPNM3 (PITPNM family member 3; minus strand). Cytogenetic location: 17p13.2.
Variant type: single nucleotide variant.
Coding change: c.2243C>T on transcript NM_031220.4 (MANE Select); coding-DNA position 2243, C replaced by T.
Protein change: p.Ala748Val; replaces alanine 748 with valine.
Molecular consequence: missense variant.
Genome position (GRCh38, 1-based): chr17:6,463,795, G>A on the plus strand (C>T on the coding strand, the complement: PITPNM3 is on the minus strand). VCF-style: chr17-6463795-G-A. GRCh37 (hg19) VCF-style: chr17-6367115-G-A.
Other names: c.2135C>T, p.Ala712Val (NM_001165966.2); short protein forms A748V, A712V.
Identifiers: ClinVar variation 2117187 (VCV002117187.5), dbSNP rs771796178, ClinGen allele CA287308486.